The following is an entry in ClinVar:

ClinVar aggregate classification (germline): Conflicting classifications of pathogenicity. Review status: criteria provided, conflicting classifications (1 of 4 stars). 4 submissions from 4 submitters: Uncertain significance (3); Likely benign (1). Last evaluated 2026-07-06.

Conditions:
Hereditary breast ovarian cancer syndrome. Also called: Hereditary breast and ovarian cancer syndrome (HBOC); Breast and ovarian cancer; Hereditary breast and ovarian cancer syndrome; Hereditary breast and ovarian cancer; BRCA1- and BRCA2-Associated Hereditary Breast and Ovarian Cancer; Hereditary breast and/or ovarian cancer syndrome. Identifiers: Orphanet 145, MedGen C0677776, MeSH D061325, MONDO:0003582. Disease mechanism: loss of function.
Breast-ovarian cancer, familial, susceptibility to, 1 (BROVCA1). Also called: BRCA1 Hereditary Breast and Ovarian Cancer; OVARIAN CANCER, SUSCEPTIBILITY TO. Identifiers: Orphanet 145, MedGen C2676676, MONDO:0011450, OMIM 604370. Disease mechanism: loss of function.
Hereditary cancer-predisposing syndrome. Also called: Hereditary Cancer Syndrome; Neoplastic Syndromes, Hereditary; Hereditary neoplastic syndrome; Tumor predisposition. Identifiers: Orphanet 140162, MedGen C0027672, MeSH D009386, MONDO:0015356.

Allele frequency attached by ClinVar (database versions not stated): gnomAD exomes 0.00001.
gnomAD v4.1: 4 of 1,613,762 alleles (0.00025%); highest among the groups gnomAD compares: Non-Finnish European, 0.00034%; no homozygotes.

Submissions (4):

KCCC/NGS Laboratory, Kuwait Cancer Control Center
Classification: Uncertain significance for Breast-ovarian cancer, familial, susceptibility to, 1. Last evaluated: 2026-07-06. Review status: criteria provided, single submitter. Criteria: ACMG Guidelines, 2015. Collection method: clinical testing. Allele origin: germline. Inheritance: Autosomal dominant inheritance. Affected: yes.
Comment: A variant of uncertain significance was detected in BRCA1 gene

University of Washington Department of Laboratory Medicine, University of Washington
Classification: Likely benign for Hereditary cancer-predisposing syndrome. Last evaluated: 2023-03-23. Review status: criteria provided, single submitter. Criteria: Dines et al. (Genet Med. 2020). Collection method: curation. Allele origin: germline.
Comment: Missense variant in a coldspot region where missense variants are very unlikely to be pathogenic (PMID:31911673).

BRCA1 coldspot (exon 11 using historical exon numbering). Reclassification based on statistical prior probability

Ambry Genetics
Classification: Uncertain significance for Hereditary cancer-predisposing syndrome. Last evaluated: 2021-10-21. Review status: criteria provided, single submitter. Criteria: Ambry Variant Classification Scheme 2023. Collection method: clinical testing. Allele origin: germline.
Comment: The p.S1042R variant (also known as c.3126C>G), located in coding exon 9 of the BRCA1 gene, results from a C to G substitution at nucleotide position 3126. The serine at codon 1042 is replaced by arginine, an amino acid with dissimilar properties. This amino acid position is not well conserved in available vertebrate species. In addition, the in silico prediction for this alteration is inconclusive. Since supporting evidence is limited at this time, the clinical significance of this alteration remains unclear.

Labcorp Genetics (formerly Invitae), Labcorp
Classification: Uncertain significance for Hereditary breast ovarian cancer syndrome. Last evaluated: 2015-12-07. Review status: criteria provided, single submitter. Criteria: Invitae Variant Classification Sherloc (09022015). Collection method: clinical testing. Allele origin: germline.
Comment: In summary, this is a novel missense change that is not predicted to affect protein function or cause disease. However the evidence is insufficient at this time to prove that conclusively. It has been classified as a Variant of Uncertain Significance. Algorithms developed to predict the effect of missense changes on protein structure and function (SIFT, PolyPhen-2, Align-GVGD) all suggest that this variant is likely to be tolerated, but these predictions have not been confirmed by published functional studies. This variant is not present in population databases (ExAC, no frequency) and has not been reported in the literature. This sequence change replaces serine with arginine at codon 1042 of the BRCA1 protein (p.Ser1042Arg). The serine residue is moderately conserved and there is a moderate physicochemical difference between serine and arginine.

NM_007294.4(BRCA1):c.3126C>G (p.Ser1042Arg)

Gene: BRCA1 (BRCA1 DNA repair associated; minus strand). Cytogenetic location: 17q21.31.
Variant type: single nucleotide variant.
Coding change: c.3126C>G on transcript NM_007294.4 (MANE Select); coding-DNA position 3126, C replaced by G.
Protein change: p.Ser1042Arg; replaces serine 1042 with arginine.
Molecular consequence: missense variant. On other transcripts: intron variant (137).
Genome position (GRCh38, 1-based): chr17:43,092,405, G>C on the plus strand (C>G on the coding strand, the complement: BRCA1 is on the minus strand). VCF-style: chr17-43092405-G-C. GRCh37 (hg19) VCF-style: chr17-41244422-G-C.
Other names: c.2913C>G, p.Ser971Arg (NM_001407571.1, NM_001407898.1, NM_001407899.1 and 9 more transcripts); c.3126C>G, p.Ser1042Arg (NM_001407581.1, NM_001407582.1, NM_001407583.1 and 30 more transcripts); c.3123C>G, p.Ser1041Arg (NM_001407587.1, NM_001407590.1, NM_001407591.1 and 22 more transcripts); c.3117C>G, p.Ser1039Arg (NM_001407646.1, NM_001407647.1); c.3003C>G, p.Ser1001Arg (NM_001407648.1, NM_001407664.1, NM_001407665.1 and 19 more transcripts); c.3000C>G, p.Ser1000Arg (NM_001407649.1, NM_001407670.1, NM_001407671.1 and 11 more transcripts); c.3048C>G, p.Ser1016Arg (NM_001407653.1, NM_001407654.1, NM_001407655.1 and 4 more transcripts); c.3045C>G, p.Ser1015Arg (NM_001407659.1, NM_001407660.1, NM_001407661.1 and 1 more transcripts); and 42 more; short protein forms S1042R, S995R, S1016R, S1039R, S1041R, S874R, S915R, S953R.
Identifiers: ClinVar variation 240787 (VCV000240787.15), dbSNP rs878854943, ClinGen allele CA10583568.
Genomic context (GRCh38, chr17:43,092,405, plus strand): 5'-ACCTATTTCATTAATACTGGAGCCCACTTCATTAGTACTGGAACCTACTTCATTAATATT[G>C]CTTGAGCTGGCTTCTTTAAAAACATTTTCTCTAATGTTATTACGGCTAATTGTGCTCACT-3'
Protein context (NP_009225.1, residues 1032-1052): RENVFKEASS[Ser1042Arg]NINEVGSSTN